The following is an entry in ClinVar:

ClinVar aggregate classification (germline): Conflicting classifications of pathogenicity. Review status: criteria provided, conflicting classifications (1 of 4 stars). 7 submissions from 7 submitters: Uncertain significance (4); Likely benign (3). Last evaluated 2026-08-07.

Conditions:
Neurofibromatosis, type 1 (NF1). Also called: VON RECKLINGHAUSEN DISEASE; Neurofibromatosis, type I; Peripheral type neurofibromatosis; NEUROFIBROMATOSIS, TYPE I, SOMATIC. Identifiers: Orphanet 636, MedGen C0027831, MONDO:0018975, OMIM 162200. Disease mechanism: loss of function.
Neurofibromatosis, familial spinal (FSNF). Identifiers: Orphanet 636, MedGen C1834235, MONDO:0008078, OMIM 162210. Disease mechanism: loss of function.
Neurofibromatosis-Noonan syndrome (NFNS). Also called: NEUROFIBROMATOSIS WITH NOONAN PHENOTYPE. Identifiers: Orphanet 638, MedGen C2931482, MONDO:0011035, OMIM 601321. Disease mechanism: loss of function.
Juvenile myelomonocytic leukemia (JMML). Also called: LEUKEMIA, JUVENILE MYELOMONOCYTIC, SOMATIC. Identifiers: Orphanet 86834, MedGen C0349639, MONDO:0011908, OMIM 607785, HP:0012209.
Café-au-lait macules with pulmonary stenosis (WTSN). Also called: PULMONIC STENOSIS WITH CAFE-AU-LAIT SPOTS. Identifiers: MedGen C0553586, MONDO:0008672, OMIM 193520.
Hereditary cancer-predisposing syndrome. Also called: Neoplastic Syndromes, Hereditary; Hereditary neoplastic syndrome; Hereditary Cancer Syndrome; Tumor predisposition. Identifiers: Orphanet 140162, MedGen C0027672, MeSH D009386, MONDO:0015356.
Cardiovascular phenotype. Identifiers: MedGen CN230736.

Allele frequency attached by ClinVar (database versions not stated): gnomAD exomes below 0.00001 and 0.00001; gnomAD 0.00001; ExAC 0.00002; TOPMed 0.00003; ESP Exome Variant Server 0.00008.
gnomAD v4.1: 9 of 1,613,814 alleles (0.00056%); highest among the groups gnomAD compares: African/African-American, 0.0027%; no homozygotes.

Submissions (7):

Ambry Genetics
Classification: Likely benign for Cardiovascular phenotype; Hereditary cancer-predisposing syndrome. Last evaluated: 2026-08-07. Review status: criteria provided, single submitter. Criteria: Ambry Variant Classification Scheme 2023. Collection method: clinical testing. Allele origin: germline.

Labcorp Genetics (formerly Invitae), Labcorp
Classification: Likely benign for Neurofibromatosis, type 1. Last evaluated: 2025-12-31. Review status: criteria provided, single submitter. Criteria: Invitae Variant Classification Sherloc (09022015). Collection method: clinical testing. Allele origin: germline.

Molecular Pathology, Peter Maccallum Cancer Centre
Classification: Uncertain significance for Neurofibromatosis, type 1. Last evaluated: 2024-05-24. Review status: criteria provided, single submitter. Criteria: ACMG Guidelines, 2015. Collection method: clinical testing. Allele origin: germline. Inheritance: Autosomal dominant inheritance.

GeneDx
Classification: Uncertain significance. Last evaluated: 2024-04-12. Review status: criteria provided, single submitter. Criteria: GeneDx Variant Classification Process June 2021. Collection method: clinical testing. Allele origin: germline. Affected: yes.
Comment: In silico analysis supports that this missense variant has a deleterious effect on protein structure/function; Has not been previously published as pathogenic or benign to our knowledge; This variant is associated with the following publications: (PMID: 25486365)

Blueprint Genetics
Classification: Likely benign. Last evaluated: 2023-04-26. Review status: criteria provided, single submitter. Criteria: ACMG Guidelines, 2015. Collection method: clinical testing. Allele origin: germline.

Genome-Nilou Lab
Classification: Uncertain significance for Neurofibromatosis, type 1. Last evaluated: 2022-03-15. Review status: criteria provided, single submitter. Criteria: ACMG Guidelines, 2015. Collection method: clinical testing. Allele origin: germline. Affected: no.

Fulgent Genetics
Classification: Uncertain significance for Neurofibromatosis, type 1; Neurofibromatosis, familial spinal; Café-au-lait macules with pulmonary stenosis; Neurofibromatosis-Noonan syndrome; Juvenile myelomonocytic leukemia. Last evaluated: 2022-01-07. Review status: criteria provided, single submitter. Criteria: ACMG Guidelines, 2015. Collection method: clinical testing. Allele origin: unknown.

NM_001042492.3(NF1):c.7780C>T (p.Arg2594Cys)

Gene: NF1 (neurofibromin 1; plus strand). Cytogenetic location: 17q11.2.
Variant type: single nucleotide variant.
Coding change: c.7780C>T on transcript NM_001042492.3 (MANE Select); coding-DNA position 7780, C replaced by T.
Protein change: p.Arg2594Cys; replaces arginine 2594 with cysteine.
Molecular consequence: missense variant.
Genome position (GRCh38, 1-based): chr17:31,357,001, C>T. VCF-style: chr17-31357001-C-T. GRCh37 (hg19) VCF-style: chr17-29684019-C-T.
Other names: c.7717C>T, p.Arg2573Cys (NM_000267.4); short protein forms R2594C, R2573C.
Identifiers: ClinVar variation 480169 (VCV000480169.18), dbSNP rs372787215, ClinGen allele CA8487663.
Genomic context (GRCh38, chr17:31,357,001, plus strand): 5'-ATTCCCTATCTTGCTGCAGAAACTCAGAGGATTTCCTCATCACAACAGCACCCACATTTA[C>T]GTAAAGTTTCAGTGTCTGAATCAAATGTTCTCTTGGATGAAGAAGTACTTACTGATCCGA-3'
Protein context (NP_001035957.1, residues 2584-2604): ISSSQQHPHL[Arg2594Cys]KVSVSESNVL